The following is an entry in ClinVar:

ClinVar aggregate classification (germline): Uncertain significance (1 of 4 stars; one submission).

Submission:

GeneDx
Classification: Uncertain significance. Last evaluated: 2026-07-25. Review status: criteria provided, single submitter. Criteria: GeneDx Variant Classification Process June 2021. Collection method: clinical testing. Allele origin: germline.
Comment: Not observed at significant frequency in large population cohorts (gnomAD); In silico analysis supports that this missense variant has a deleterious effect on protein structure/function; Has not been previously published as pathogenic or benign to our knowledge

NM_004187.5(KDM5C):c.611C>T (p.Ser204Phe)

Gene: KDM5C (lysine demethylase 5C; minus strand). Cytogenetic location: Xp11.22.
Variant type: single nucleotide variant.
Coding change: c.611C>T on transcript NM_004187.5 (MANE Select); coding-DNA position 611, C replaced by T.
Protein change: p.Ser204Phe; replaces serine 204 with phenylalanine.
Molecular consequence: missense variant. On other transcripts: non-coding transcript variant (3).
Genome position (GRCh38, 1-based): chrX:53,217,189, G>A on the plus strand (C>T on the coding strand, the complement: KDM5C is on the minus strand). VCF-style: chrX-53217189-G-A. GRCh37 (hg19) VCF-style: chrX-53246371-G-A.
Other names: c.410C>T, p.Ser137Phe (NM_001146702.2); c.608C>T, p.Ser203Phe (NM_001282622.3, NM_001353979.2, NM_001353982.2); c.611C>T, p.Ser204Phe (NM_001353978.3, NM_001353981.2, NM_001353984.2); short protein forms S137F, S203F, S204F.
Identifiers: ClinVar variation 2505798 (VCV002505798.2), dbSNP rs2146946242, ClinGen allele CA413133751.